The following is an entry in ClinVar:

NM_001127208.3(TET2):c.1247C>T (p.Pro416Leu)

Genes: TET2 (tet methylcytosine dioxygenase 2; plus strand), TET2-AS1 (TET2 antisense RNA 1; minus strand). Cytogenetic location: 4q24.
Variant type: single nucleotide variant.
Coding change: c.1247C>T on transcript NM_001127208.3 (MANE Select); coding-DNA position 1247, C replaced by T.
Protein change: p.Pro416Leu; replaces proline 416 with leucine.
Molecular consequence: missense variant.
Genome position (GRCh38, 1-based): chr4:105,235,189, C>T. VCF-style: chr4-105235189-C-T. GRCh37 (hg19) VCF-style: chr4-106156346-C-T.
Other names: c.1247C>T, p.Pro416Leu (NM_017628.4); short protein forms P416L.
Identifiers: ClinVar variation 3967566 (VCV003967566.1).

ClinVar aggregate classification (germline): Uncertain significance (1 of 4 stars; one submission).

Submission:

Ambry Genetics
Classification: Uncertain significance. Last evaluated: 2025-04-16. Review status: criteria provided, single submitter. Criteria: Ambry Variant Classification Scheme 2023. Collection method: clinical testing. Allele origin: germline.
Comment: The p.P416L variant (also known as c.1247C>T), located in coding exon 1 of the TET2 gene, results from a C to T substitution at nucleotide position 1247. The proline at codon 416 is replaced by leucine, an amino acid with similar properties. This amino acid position is conserved. In addition, this alteration is predicted to be tolerated by in silico analysis. Based on the available evidence, the clinical significance of this variant remains unclear.